The following is an entry in ClinVar:

NM_000183.3(HADHB):c.1409A>C (p.Glu470Ala)

Gene: HADHB (hydroxyacyl-CoA dehydrogenase trifunctional multienzyme complex subunit beta; plus strand). Cytogenetic location: 2p23.3.
Variant type: single nucleotide variant.
Coding change: c.1409A>C on transcript NM_000183.3 (MANE Select); coding-DNA position 1409, A replaced by C.
Protein change: p.Glu470Ala; replaces glutamic acid 470 with alanine.
Molecular consequence: missense variant.
Genome position (GRCh38, 1-based): chr2:26,289,937, A>C. VCF-style: chr2-26289937-A-C. GRCh37 (hg19) VCF-style: chr2-26512805-A-C.
Other names: c.1343A>C, p.Glu448Ala (NM_001281513.2); c.1364A>C, p.Glu455Ala (NM_001281512.2); short protein forms E448A, E455A, E470A.
Identifiers: ClinVar variation 1488478 (VCV001488478.8), dbSNP rs2147837732, ClinGen allele CA346098000.

ClinVar aggregate classification (germline): Uncertain significance (1 of 4 stars; one submission).

Conditions:
Mitochondrial trifunctional protein deficiency. Identifiers: Orphanet 746, MedGen C1969443, MONDO:0012172.

Submission:

Labcorp Genetics (formerly Invitae), Labcorp
Classification: Uncertain significance for Mitochondrial trifunctional protein deficiency. Last evaluated: 2021-05-07. Review status: criteria provided, single submitter. Criteria: Invitae Variant Classification Sherloc (09022015). Collection method: clinical testing. Allele origin: germline.
Comment: In summary, the available evidence is currently insufficient to determine the role of this variant in disease. Therefore, it has been classified as a Variant of Uncertain Significance. Algorithms developed to predict the effect of missense changes on protein structure and function are either unavailable or do not agree on the potential impact of this missense change (SIFT: "Tolerated"; PolyPhen-2: "Probably Damaging"; Align-GVGD: "Class C0"). This variant has not been reported in the literature in individuals with HADHB-related conditions. This variant is not present in population databases (ExAC no frequency). This sequence change replaces glutamic acid with alanine at codon 470 of the HADHB protein (p.Glu470Ala). The glutamic acid residue is highly conserved and there is a moderate physicochemical difference between glutamic acid and alanine.